The following is an entry in ClinVar:

NM_031448.6(C19orf12):c.215C>A (p.Pro72Gln)

Gene: C19orf12 (chromosome 19 open reading frame 12; minus strand). Cytogenetic location: 19q12.
Variant type: single nucleotide variant.
Coding change: c.215C>A on transcript NM_031448.6 (MANE Select); coding-DNA position 215, C replaced by A.
Protein change: p.Pro72Gln; replaces proline 72 with glutamine.
Molecular consequence: missense variant.
Genome position (GRCh38, 1-based): chr19:29,702,923, G>T on the plus strand (C>A on the coding strand, the complement: C19orf12 is on the minus strand). VCF-style: chr19-29702923-G-T. GRCh37 (hg19) VCF-style: chr19-30193830-G-T.
Other names: c.215C>A, p.Pro72Gln (NM_001031726.4, NM_001256046.3, NM_001256047.2); c.23C>A, p.Pro8Gln (NM_001282929.1, NM_001282930.3, NM_001282931.3); short protein forms P8Q, P72Q.
Identifiers: ClinVar variation 2038455 (VCV002038455.4), dbSNP rs201987973, ClinGen allele CA405143257.

ClinVar aggregate classification (germline): Uncertain significance (1 of 4 stars; one submission).

Conditions:
Hereditary spastic paraplegia 43. Also called: Spastic paraplegia 43, autosomal recessive. Identifiers: Orphanet 320370, MedGen C2680446, MONDO:0014024, OMIM 615043.

Submission:

Labcorp Genetics (formerly Invitae), Labcorp
Classification: Uncertain significance for Hereditary spastic paraplegia 43. Last evaluated: 2022-05-29. Review status: criteria provided, single submitter. Criteria: Invitae Variant Classification Sherloc (09022015). Collection method: clinical testing. Allele origin: germline.
Comment: In summary, the available evidence is currently insufficient to determine the role of this variant in disease. Therefore, it has been classified as a Variant of Uncertain Significance. This variant disrupts the p.Pro83 amino acid residue in C19orf12. Other variant(s) that disrupt this residue have been determined to be pathogenic (PMID: 23269600, 26187298). This suggests that this residue is clinically significant, and that variants that disrupt this residue are likely to be disease-causing. Algorithms developed to predict the effect of missense changes on protein structure and function are either unavailable or do not agree on the potential impact of this missense change (SIFT: "Deleterious"; PolyPhen-2: "Probably Damaging"; Align-GVGD: "Class C0"). This missense change has been observed in individual(s) with clinical features of autosomal recessive neurodegeneration with brain iron accumulation (Invitae). This variant is not present in population databases (gnomAD no frequency). This sequence change replaces proline, which is neutral and non-polar, with glutamine, which is neutral and polar, at codon 83 of the C19orf12 protein (p.Pro83Gln).

Literature cited by the submitters: PubMed 23269600; PubMed 26187298.